The following is an entry in ClinVar:

ClinVar aggregate classification (germline): Pathogenic/Likely pathogenic. Review status: criteria provided, multiple submitters, no conflicts (2 of 4 stars). 16 submissions from 16 submitters: Pathogenic (12); Likely pathogenic (2). 2 of the submissions do not count toward it. Last evaluated 2025-10-26.

Conditions:
MSH6-related disorder. Also called: MSH6-related condition; MSH6-Related disorders.
Hereditary nonpolyposis colon cancer (HNPCC). Also called: Hereditary Nonpolyposis Colorectal Cancer Syndrome; Hereditary nonpolyposis colorectal cancer; Familial nonpolyposis colon cancer. Identifiers: Orphanet 443909, MedGen C1333990, MONDO:0018630. Disease mechanism: loss of function.
Hereditary nonpolyposis colorectal neoplasms. Identifiers: MedGen C0009405, MeSH D003123.
Hereditary cancer-predisposing syndrome. Also called: Tumor predisposition; Hereditary Cancer Syndrome; Hereditary neoplastic syndrome; Neoplastic Syndromes, Hereditary. Identifiers: Orphanet 140162, MedGen C0027672, MeSH D009386, MONDO:0015356.
Mismatch repair cancer syndrome 1 (MMRCS1). Also called: BRAIN TUMOR-POLYPOSIS SYNDROME 1; BTP1 SYNDROME; CHILDHOOD CANCER SYNDROME; MISMATCH REPAIR DEFICIENCY; MMR DEFICIENCY. Identifiers: Orphanet 252202, MedGen C5399763, MONDO:0010159, OMIM 276300. Disease mechanism: loss of function.
Lynch syndrome 5 (LYNCH5). Also called: Colorectal cancer, hereditary nonpolyposis, type 5; Hereditary non-polyposis colorectal cancer, type 5. Identifiers: Orphanet 144, MedGen C1833477, MONDO:0013710, OMIM 614350. Disease mechanism: loss of function.
Lynch syndrome. Identifiers: Orphanet 144, MedGen C4552100, MONDO:0005835. Disease mechanism: loss of function.
Endometrial carcinoma. Also called: Endometrial carcinoma, somatic. Identifiers: MedGen C0476089, MONDO:0002447, OMIM 608089, HP:0012114.

Submissions 1 to 10 of 16:

Labcorp Genetics (formerly Invitae), Labcorp
Classification: Pathogenic for Hereditary nonpolyposis colorectal neoplasms. Last evaluated: 2025-10-26. Review status: criteria provided, single submitter. Criteria: Invitae Variant Classification Sherloc (09022015). Collection method: clinical testing. Allele origin: germline.
Comment: This sequence change creates a premature translational stop signal (p.Glu744Glyfs*12) in the MSH6 gene. It is expected to result in an absent or disrupted protein product. Loss-of-function variants in MSH6 are known to be pathogenic (PMID: 18269114, 24362816). This variant is present in population databases (rs773290953, gnomAD 0.002%). This premature translational stop signal has been observed in individual(s) with colorectal cancer (PMID: 23733757). Invitae Evidence Modeling of clinical and family history, age, sex, and reported ancestry of multiple individuals with this MSH6 variant has been performed. This variant is expected to be pathogenic with a positive predictive value of at least 99%. This is a validated machine learning model that incorporates the clinical features of 1,627,235 individuals referred to our laboratory for MSH6 testing. ClinVar contains an entry for this variant (Variation ID: 183739). For these reasons, this variant has been classified as Pathogenic.

Center for Genomic Medicine, Rigshospitalet, Copenhagen University Hospital
Classification: Pathogenic. Last evaluated: 2025-03-04. Review status: criteria provided, single submitter. Criteria: ACMG Guidelines, 2015. Collection method: clinical testing. Allele origin: germline.

Ambry Genetics
Classification: Pathogenic for Hereditary cancer-predisposing syndrome. Last evaluated: 2025-01-28. Review status: criteria provided, single submitter. Criteria: Ambry Variant Classification Scheme 2023. Collection method: clinical testing. Allele origin: germline.
Comment: The c.2230dupG (p.E744Gfs*12) alteration, located in exon 4 (coding exon 4) of the MSH6 gene, consists of a duplication of G at position 2230, causing a translational frameshift with a predicted alternate stop codon after 12 amino acids. This alteration is expected to result in loss of function by premature protein truncation or nonsense-mediated mRNA decay. Based on data from gnomAD, the c.2230dupG variant has an overall frequency of 0.001% (2/282300) total alleles studied. The highest observed frequency was 0.002% (2/128668) of European (non-Finnish) alleles. This variant has been reported in multiple individuals with Lynch syndrome (Ward, 2013; Espenschied, 2017; Brand, 2018; Chan, 2018; Grzymski, 2020). Based on the available evidence, this alteration is classified as pathogenic.

Molecular Pathology, Peter Maccallum Cancer Centre
Classification: Pathogenic for Lynch syndrome 5. Last evaluated: 2024-11-27. Review status: criteria provided, single submitter. Criteria: ACMG Guidelines, 2015. Collection method: clinical testing. Allele origin: germline. Inheritance: Autosomal dominant inheritance.

Color Diagnostics, LLC DBA Color Health
Classification: Pathogenic for Hereditary cancer-predisposing syndrome. Last evaluated: 2024-07-26. Review status: criteria provided, single submitter. Criteria: ACMG Guidelines, 2015. Collection method: clinical testing. Allele origin: germline.
Comment: This variant inserts 1 nucleotide in exon 4 of the MSH6 gene, creating a frameshift and premature translation stop signal. This variant is expected to result in an absent or non-functional protein product. This variant has been reported in an individual affected with ovarian and endometrial cancer (PMID: 30093976), as well as individuals affected with colorectal cancer (PMID: 23733757, 28944238), pancreatic adenocarcinoma (PMID: 30067863 ), and breast cancer (PMID: 29345684). This variant has been identified in 2/282300 chromosomes in the general population by the Genome Aggregation Database (gnomAD) and has been reported in a control sample (PMID: 30128536). Loss of MSH6 function is a known mechanism of disease. Based on the available evidence, this variant is classified as Pathogenic.

GeneDx
Classification: Pathogenic. Last evaluated: 2024-07-03. Review status: criteria provided, single submitter. Criteria: GeneDx Variant Classification Process June 2021. Collection method: clinical testing. Allele origin: germline. Affected: yes.
Comment: Observed in individuals with MSH6-related cancers (PMID: 23733757, 30067863, 30093976, 28888541, 36744932); Frameshift variant predicted to result in protein truncation or nonsense mediated decay in a gene for which loss of function is a known mechanism of disease; Truncating variants in this gene are considered pathogenic by a well-established clinical consortium and/or database; Not observed at significant frequency in large population cohorts (gnomAD); This variant is associated with the following publications: (PMID: 23733757, 30067863, 30093976, 28944238, 32719484, 30787465, 29922827, 28888541, 28514183, 36744932)

Baylor Genetics
Classification: Pathogenic for Endometrial carcinoma. Last evaluated: 2024-02-09. Review status: criteria provided, single submitter. Criteria: ACMG Guidelines, 2015. Collection method: clinical testing. Allele origin: unknown.

All of Us Research Program, National Institutes of Health
Classification: Pathogenic for Lynch syndrome. Last evaluated: 2023-09-18. Review status: criteria provided, single submitter. Criteria: ACMG Guidelines, 2015. Collection method: clinical testing. Allele origin: germline. Inheritance: Autosomal dominant inheritance. Observed: 2 variant alleles, 2 heterozygotes.
Comment: This variant inserts 1 nucleotide in exon 4 of the MSH6 gene, creating a frameshift and premature translation stop signal. This variant is expected to result in an absent or non-functional protein product. To our knowledge, functional studies have not been reported for this variant. This variant has been reported in individuals affected with ovarian and endometrial cancer (PMID: 30093976), colorectal cancer (PMID: 23733757, 28944238), and breast cancer (PMID: 29345684). This variant has been identified in 2/282300 chromosomes in the general population by the Genome Aggregation Database (gnomAD) and has been reported in a control sample (PMID: 30128536). Loss of MSH6 function is a known mechanism of disease. Based on the available evidence, this variant is classified as Pathogenic.

This study involves interpretation of variants in research participants for the purpose of population health screening. Participant phenotype was not available at the time of variant classification. Additional details can be found in publication PMID: 35346344, PMCID: PMC8962531

Myriad Genetics, Inc.
Classification: Pathogenic for Lynch syndrome 5. Last evaluated: 2023-08-16. Review status: criteria provided, single submitter. Criteria: Myriad Autosomal Dominant, Autosomal Recessive and X-Linked Classification Criteria (2023). Collection method: clinical testing. Allele origin: unknown.
Comment: This variant is considered pathogenic. This variant creates a frameshift predicted to result in premature protein truncation.

Women's Health and Genetics/Laboratory Corporation of America, LabCorp
Classification: Pathogenic for Hereditary nonpolyposis colon cancer. Last evaluated: 2023-07-10. Review status: criteria provided, single submitter. Criteria: LabCorp Variant Classification Summary - May 2015. Collection method: clinical testing. Allele origin: germline.
Comment: Variant summary: MSH6 c.2230dupG (p.Glu744GlyfsX12) results in a premature termination codon, predicted to cause absence of the protein due to nonsense mediated decay, which is a commonly known mechanism for disease. The variant allele was found at a frequency of 4e-06 in 250900 control chromosomes (gnomAD). c.2230dupG has been reported in the literature in individuals affected with colorectal cancer or ovarian and endometrial cancer with family histories of cancer (e.g. Ward_2013, Chan_2018). These data indicate that the variant is likely to be associated with disease. The following publications have been ascertained in the context of this evaluation (PMID: 23733757, 30093976). Six submitters have cited clinical-significance assessments for this variant to ClinVar after 2014, and classified it as pathogenic/likely pathogenic. Based on the evidence outlined above, the variant was classified as pathogenic.

NM_000179.3(MSH6):c.2230dup (p.Glu744fs)

Gene: MSH6 (mutS homolog 6; plus strand). Cytogenetic location: 2p16.3.
Variant type: Duplication.
Coding change: c.2230dup on transcript NM_000179.3 (MANE Select); coding-DNA position 2230, one base duplicated (G; older notation c.2230dupG).
Protein change: p.Glu744fs; shifts the reading frame from glutamic acid 744.
Molecular consequence: frameshift variant.
Genome position (GRCh38, 1-based): chr2:47,800,213, G duplicated; the last of 2 consecutive G bases (chr2:47,800,212-47,800,213); duplicating either gives the same sequence. VCF-style (leftmost placement, unchanged base first): chr2-47800211-T-TG. GRCh37 (hg19) VCF-style: chr2-48027350-T-TG.
Other names: p.Glu744Glyfs*12; c.1840dup, p.Glu614fs (NM_001281492.2); c.1324dup, p.Glu442fs (NM_001281493.2, NM_001281494.2); c.2230dupG (NM_000179.2, NM_000179.3); short protein forms E442fs, E614fs, E744fs.
Identifiers: ClinVar variation 183739 (VCV000183739.46), dbSNP rs786201050, ClinGen allele CA186281.